The following is an entry in ClinVar:

ClinVar aggregate classification (germline): Uncertain significance (1 of 4 stars; one submission).

Conditions:
Fanconi anemia (FA). Also called: Fanconi's anemia. Identifiers: Orphanet 84, MedGen C0015625, MeSH D005199, MONDO:0019391.

Submission:

Labcorp Genetics (formerly Invitae), Labcorp
Classification: Uncertain significance for Fanconi anemia. Last evaluated: 2024-08-21. Review status: criteria provided, single submitter. Criteria: Invitae Variant Classification Sherloc (09022015). Collection method: clinical testing. Allele origin: germline.
Comment: This sequence change replaces valine, which is neutral and non-polar, with leucine, which is neutral and non-polar, at codon 143 of the FANCG protein (p.Val143Leu). This variant is not present in population databases (gnomAD no frequency). This variant has not been reported in the literature in individuals affected with FANCG-related conditions. Invitae Evidence Modeling of protein sequence and biophysical properties (such as structural, functional, and spatial information, amino acid conservation, physicochemical variation, residue mobility, and thermodynamic stability) indicates that this missense variant is not expected to disrupt FANCG protein function with a negative predictive value of 80%. In summary, the available evidence is currently insufficient to determine the role of this variant in disease. Therefore, it has been classified as a Variant of Uncertain Significance.

NM_004629.2(FANCG):c.427G>C (p.Val143Leu)

Gene: FANCG (FA complementation group G; minus strand). Cytogenetic location: 9p13.3.
Variant type: single nucleotide variant.
Coding change: c.427G>C on transcript NM_004629.2 (MANE Select); coding-DNA position 427, G replaced by C.
Protein change: p.Val143Leu; replaces valine 143 with leucine.
Molecular consequence: missense variant.
Genome position (GRCh38, 1-based): chr9:35,078,224, C>G on the plus strand (G>C on the coding strand, the complement: FANCG is on the minus strand). VCF-style: chr9-35078224-C-G. GRCh37 (hg19) VCF-style: chr9-35078221-C-G.
Other names: short protein forms V143L.
Identifiers: ClinVar variation 3669898 (VCV003669898.2).